The following is an entry in ClinVar:

ClinVar aggregate classification (germline): Uncertain significance (1 of 4 stars; one submission).

Conditions:
Hereditary breast ovarian cancer syndrome. Also called: Hereditary breast and ovarian cancer; Breast and ovarian cancer; Hereditary breast and/or ovarian cancer syndrome; Hereditary breast and ovarian cancer syndrome; Hereditary breast and ovarian cancer syndrome (HBOC); BRCA1- and BRCA2-Associated Hereditary Breast and Ovarian Cancer. Identifiers: Orphanet 145, MedGen C0677776, MeSH D061325, MONDO:0003582. Disease mechanism: loss of function.

Submission:

Labcorp Genetics (formerly Invitae), Labcorp
Classification: Uncertain significance for Hereditary breast ovarian cancer syndrome. Last evaluated: 2022-01-12. Review status: criteria provided, single submitter. Criteria: Invitae Variant Classification Sherloc (09022015). Collection method: clinical testing. Allele origin: germline.
Comment: In summary, the available evidence is currently insufficient to determine the role of this variant in disease. Therefore, it has been classified as a Variant of Uncertain Significance. RNA analysis for this variant was inconclusive, and the splicing effect of this variant is unknown (Invitae). Algorithms developed to predict the effect of sequence changes on RNA splicing suggest that this variant may disrupt the consensus splice site. ClinVar contains an entry for this variant (Variation ID: 861449). This variant has not been reported in the literature in individuals affected with BRCA1-related conditions. This variant is not present in population databases (gnomAD no frequency). This sequence change falls in intron 1 of the BRCA1 gene. It does not directly change the encoded amino acid sequence of the BRCA1 protein.

NM_007294.4(BRCA1):c.-20+3A>T

Genes: BRCA1 (BRCA1 DNA repair associated; minus strand), LOC111589215 (BRCA1 promoter region; plus strand). Cytogenetic location: 17q21.31.
Variant type: single nucleotide variant.
Coding change: c.-20+3A>T on transcript NM_007294.4 (MANE Select); 3 bases into the intron after 20 bases upstream of the start codon, A replaced by T.
Molecular consequence: intron variant. On other transcripts: non-coding transcript variant (1).
Genome position (GRCh38, 1-based): chr17:43,125,268, T>A on the plus strand (A>T on the coding strand, the complement: BRCA1 is on the minus strand). VCF-style: chr17-43125268-T-A. GRCh37 (hg19) VCF-style: chr17-41277285-T-A.
Other names: c.-107+9A>T (NM_007297.4); c.-20+9A>T (NM_007299.4); c.-20+3A>T (NM_007300.4).
Identifiers: ClinVar variation 861449 (VCV000861449.10), dbSNP rs1064795882, ClinGen allele CA916081183.
Genomic context (GRCh38, chr17:43,125,268, plus strand): 5'-CTCCCACGCCAGTACCCCAGAGCATCACTTGGGCCCCCTGTCCCTTTCCCGGGACTCTAC[T>A]ACCTTTACCCAGAGCAGAGGGTGAAGGCCTCCTGAGCGCAGGGGCCCAGTTATCTGAGAA-3'